The following is an entry in ClinVar:

ClinVar aggregate classification (germline): Uncertain significance. Review status: criteria provided, multiple submitters, no conflicts (2 of 4 stars). 2 submissions from 2 submitters: Uncertain significance (2). Last evaluated 2022-08-05.

Allele frequency attached by ClinVar (database versions not stated): ExAC 0.00001; gnomAD 0.00001; gnomAD exomes 0.00001 and 0.00002; TOPMed 0.00001.
gnomAD v4.1: 6 of 1,604,262 alleles (0.00037%); highest among the groups gnomAD compares: East Asian, 0.011%; no homozygotes.

Submissions (2):

Labcorp Genetics (formerly Invitae), Labcorp
Classification: Uncertain significance. Last evaluated: 2022-08-05. Review status: criteria provided, single submitter. Criteria: Invitae Variant Classification Sherloc (09022015). Collection method: clinical testing. Allele origin: germline.
Comment: This sequence change replaces aspartic acid, which is acidic and polar, with glutamic acid, which is acidic and polar, at codon 185 of the TTPA protein (p.Asp185Glu). This variant is present in population databases (rs759458350, gnomAD 0.02%). This variant has not been reported in the literature in individuals affected with TTPA-related conditions. ClinVar contains an entry for this variant (Variation ID: 287484). Algorithms developed to predict the effect of missense changes on protein structure and function (SIFT, PolyPhen-2, Align-GVGD) all suggest that this variant is likely to be disruptive. In summary, the available evidence is currently insufficient to determine the role of this variant in disease. Therefore, it has been classified as a Variant of Uncertain Significance.

Eurofins Ntd Llc (ga)
Classification: Uncertain significance. Last evaluated: 2016-04-14. Review status: criteria provided, single submitter. Criteria: EGL Classification Definitions 2015. Collection method: clinical testing. Allele origin: germline. Observed: 1 variant allele, 1 heterozygote.

NM_000370.3(TTPA):c.555T>A (p.Asp185Glu)

Gene: TTPA (alpha tocopherol transfer protein; minus strand). Cytogenetic location: 8q12.3.
Variant type: single nucleotide variant.
Coding change: c.555T>A on transcript NM_000370.3 (MANE Select); coding-DNA position 555, T replaced by A.
Protein change: p.Asp185Glu; replaces aspartic acid 185 with glutamic acid.
Molecular consequence: missense variant.
Genome position (GRCh38, 1-based): chr8:63,064,314, A>T on the plus strand (T>A on the coding strand, the complement: TTPA is on the minus strand). VCF-style: chr8-63064314-A-T. GRCh37 (hg19) VCF-style: chr8-63976873-A-T.
Other names: short protein forms D185E.
Identifiers: ClinVar variation 287484 (VCV000287484.7), dbSNP rs759458350, ClinGen allele CA4763200.